The following is an entry in ClinVar:

ClinVar aggregate classification (germline): Uncertain significance (1 of 4 stars; one submission).

Allele frequency attached by ClinVar (database versions not stated): gnomAD exomes below 0.00001; ExAC 0.00001.

Submission:

Labcorp Genetics (formerly Invitae), Labcorp
Classification: Uncertain significance. Last evaluated: 2021-12-02. Review status: criteria provided, single submitter. Criteria: Invitae Variant Classification Sherloc (09022015). Collection method: clinical testing. Allele origin: germline.
Comment: In summary, the available evidence is currently insufficient to determine the role of this variant in disease. Therefore, it has been classified as a Variant of Uncertain Significance. Algorithms developed to predict the effect of missense changes on protein structure and function output the following: SIFT: "Deleterious"; PolyPhen-2: "Not Available"; Align-GVGD: "Class C0". The leucine amino acid residue is found in multiple mammalian species, which suggests that this missense change does not adversely affect protein function. This variant has not been reported in the literature in individuals affected with PCLO-related conditions. This variant is present in population databases (rs773120536, gnomAD 0.0009%). This sequence change replaces proline, which is neutral and non-polar, with leucine, which is neutral and non-polar, at codon 1213 of the PCLO protein (p.Pro1213Leu).

NM_033026.6(PCLO):c.3638C>T (p.Pro1213Leu)

Gene: PCLO (piccolo presynaptic cytomatrix protein; minus strand). Cytogenetic location: 7q21.11.
Variant type: single nucleotide variant.
Coding change: c.3638C>T on transcript NM_033026.6 (MANE Select); coding-DNA position 3638, C replaced by T.
Protein change: p.Pro1213Leu; replaces proline 1213 with leucine.
Molecular consequence: missense variant.
Genome position (GRCh38, 1-based): chr7:82,966,150, G>A on the plus strand (C>T on the coding strand, the complement: PCLO is on the minus strand). VCF-style: chr7-82966150-G-A. GRCh37 (hg19) VCF-style: chr7-82595466-G-A.
Other names: c.3638C>T, p.Pro1213Leu (NM_014510.3); short protein forms P1213L.
Identifiers: ClinVar variation 1466675 (VCV001466675.8), dbSNP rs773120536, ClinGen allele CA4320999.